The following is an entry in ClinVar:

NM_001042492.3(NF1):c.889-2del

Gene: NF1 (neurofibromin 1; plus strand). Cytogenetic location: 17q11.2.
Variant type: Deletion.
Coding change: c.889-2del on transcript NM_001042492.3 (MANE Select); the canonical splice acceptor site of the intron before coding-DNA position 889, one base deleted (A; older notation c.889-2delA).
Molecular consequence: splice acceptor variant.
Genome position (GRCh38, 1-based): chr17:31,200,420, A deleted. VCF-style (leftmost placement, unchanged base first): chr17-31200419-TA-T. GRCh37 (hg19) VCF-style: chr17-29527437-TA-T.
Other names: c.889-2delA (NM_000267.3); c.889-2del (NM_000267.4, NM_001128147.3).
Identifiers: ClinVar variation 581747 (VCV000581747.6), dbSNP rs1567834983, ClinGen allele CA891843781.

ClinVar aggregate classification (germline): Pathogenic (1 of 4 stars; one submission).

Conditions:
Neurofibromatosis, type 1 (NF1). Also called: Peripheral type neurofibromatosis; VON RECKLINGHAUSEN DISEASE; NEUROFIBROMATOSIS, TYPE I, SOMATIC; Neurofibromatosis, type I. Identifiers: Orphanet 636, MedGen C0027831, MONDO:0018975, OMIM 162200. Disease mechanism: loss of function.

Submission:

Labcorp Genetics (formerly Invitae), Labcorp
Classification: Pathogenic for Neurofibromatosis, type 1. Last evaluated: 2018-04-25. Review status: criteria provided, single submitter. Criteria: Invitae Variant Classification Sherloc (09022015). Collection method: clinical testing. Allele origin: germline.
Comment: This sequence change affects an acceptor splice site in intron 8 of the NF1 gene. It is expected to disrupt RNA splicing and likely results in an absent or disrupted protein product. For these reasons, this variant has been classified as Pathogenic. Donor and acceptor splice site variants typically lead to a loss of protein function (PMID: 16199547), and loss-of-function variants in NF1 are known to be pathogenic (PMID: 10712197, 23913538). A different variant affecting this nucleotide (c.889-2A>G) has been determined to be pathogenic (PMID: 10076878, 24789688). This suggests that this nucleotide is important for normal RNA splicing, and that other variants at this position may also be pathogenic. Algorithms developed to predict the effect of sequence changes on RNA splicing suggest that this variant may disrupt the consensus splice site, but this prediction has not been confirmed by published transcriptional studies. This variant has not been reported in the literature in individuals with NF1-related disease. This variant is not present in population databases (ExAC no frequency).

Literature cited by the submitters: PubMed 16199547; PubMed 10712197; PubMed 23913538; PubMed 10076878; PubMed 24789688.